The following is an entry in ClinVar:

ClinVar aggregate classification (germline): Uncertain significance (1 of 4 stars; one submission).

Submission:

Labcorp Genetics (formerly Invitae), Labcorp
Classification: Uncertain significance. Last evaluated: 2024-03-09. Review status: criteria provided, single submitter. Criteria: Invitae Variant Classification Sherloc (09022015). Collection method: clinical testing. Allele origin: germline.
Comment: This sequence change replaces valine, which is neutral and non-polar, with glutamic acid, which is acidic and polar, at codon 270 of the KRT14 protein (p.Val270Glu). This variant is not present in population databases (gnomAD no frequency). This missense change has been observed in individual(s) with clinical features of KRT14-related conditions (Invitae). Advanced modeling of protein sequence and biophysical properties (such as structural, functional, and spatial information, amino acid conservation, physicochemical variation, residue mobility, and thermodynamic stability) performed at Invitae indicates that this missense variant is expected to disrupt KRT14 protein function with a positive predictive value of 80%. This variant disrupts the p.Val270 amino acid residue in KRT14. Other variant(s) that disrupt this residue have been determined to be pathogenic (PMID: 7506097, 23774754). This suggests that this residue is clinically significant, and that variants that disrupt this residue are likely to be disease-causing. In summary, the available evidence is currently insufficient to determine the role of this variant in disease. Therefore, it has been classified as a Variant of Uncertain Significance.

Literature cited by the submitters: PubMed 7506097; PubMed 23774754.

NM_000526.5(KRT14):c.809T>A (p.Val270Glu)

Gene: KRT14 (keratin 14; minus strand). Cytogenetic location: 17q21.2.
Variant type: single nucleotide variant.
Coding change: c.809T>A on transcript NM_000526.5 (MANE Select); coding-DNA position 809, T replaced by A.
Protein change: p.Val270Glu; replaces valine 270 with glutamic acid.
Molecular consequence: missense variant.
Genome position (GRCh38, 1-based): chr17:41,583,878, A>T on the plus strand (T>A on the coding strand, the complement: KRT14 is on the minus strand). VCF-style: chr17-41583878-A-T. GRCh37 (hg19) VCF-style: chr17-39740130-A-T.
Other names: short protein forms V270E.
Identifiers: ClinVar variation 3643822 (VCV003643822.2).